The following is an entry in ClinVar:

NM_000717.5(CA4):c.375C>T (p.Gly125=)

Gene: CA4 (carbonic anhydrase 4; plus strand). Cytogenetic location: 17q23.1.
Variant type: single nucleotide variant.
Coding change: c.375C>T on transcript NM_000717.5 (MANE Select); coding-DNA position 375, C replaced by T.
Protein change: p.Gly125=; no amino-acid change (glycine 125 retained).
Molecular consequence: synonymous variant. On other transcripts: non-coding transcript variant (1).
Genome position (GRCh38, 1-based): chr17:60,157,533, C>T. VCF-style: chr17-60157533-C-T. GRCh37 (hg19) VCF-style: chr17-58234894-C-T.
Identifiers: ClinVar variation 783794 (VCV000783794.16), dbSNP rs148870395, ClinGen allele CA8685313.
Genomic context (GRCh38, chr17:60,157,533, plus strand): 5'-GCCTGCCCCATACCAGGCCAAACAGTTGCACCTGCACTGGTCCGACTTGCCATATAAGGG[C>T]TCGGAGCACAGCCTCGATGGGGAGCACTTTGCCATGGAGGTGAGGGCCCCTTCCCGACTG-3'
Protein context (NP_000708.1, residues 115-135): HLHWSDLPYK[Gly125=]SEHSLDGEHF

ClinVar aggregate classification (germline): Benign/Likely benign. Review status: criteria provided, multiple submitters, no conflicts (2 of 4 stars). 4 submissions from 4 submitters: Benign (1); Likely benign (3). Last evaluated 2025-12-21.

Conditions:
Retinitis pigmentosa (RP). Identifiers: Orphanet 791, MedGen C0035334, MeSH D012174, MONDO:0019200, OMIM 268000. Inheritance: Autosomal dominant, autosomal recessive and X linked inheritance.

Allele frequency attached by ClinVar (database versions not stated): gnomAD exomes 0.00016 and 0.00048; ExAC 0.00059; gnomAD 0.00177 and 0.00188; TOPMed 0.00229; ESP Exome Variant Server 0.00238; 1000 Genomes Project 30x 0.00344; 1000 Genomes Project 0.00359.
gnomAD v4.1: 506 of 1,614,234 alleles (0.031%); highest among the groups gnomAD compares: African/African-American, 0.62%; no homozygotes.

Submissions (4):

Labcorp Genetics (formerly Invitae), Labcorp
Classification: Benign. Last evaluated: 2025-12-21. Review status: criteria provided, single submitter. Criteria: Invitae Variant Classification Sherloc (09022015). Collection method: clinical testing. Allele origin: germline.

Blueprint Genetics
Classification: Likely benign. Last evaluated: 2024-11-25. Review status: criteria provided, single submitter. Criteria: ACMG Guidelines, 2015. Collection method: clinical testing. Allele origin: germline.

Illumina Laboratory Services, Illumina
Classification: Likely benign for Retinitis pigmentosa. Last evaluated: 2018-01-13. Review status: criteria provided, single submitter. Criteria: ICSL Variant Classification Criteria 13 December 2019. Collection method: clinical testing. Allele origin: germline.
Comment: This variant was observed in the ICSL laboratory as part of a predisposition screen in an ostensibly healthy population. It had not been previously curated by ICSL or reported in the Human Gene Mutation Database (HGMD: prior to June 1st, 2018), and was therefore a candidate for classification through an automated scoring system. Utilizing variant allele frequency, disease prevalence and penetrance estimates, and inheritance mode, an automated score was calculated to assess if this variant is too frequent to cause the disease. Based on the score and internal cut-off values, a variant classified as likely benign is not then subjected to further curation. The score for this variant resulted in a classification of likely benign for this disease.

Breakthrough Genomics
Classification: Likely benign. Review status: criteria provided, single submitter. Criteria: ACMG Guidelines, 2015. Collection method: not provided. Allele origin: germline. Inheritance: Unknown mechanism. Affected: yes.